The following is an entry in ClinVar:

NM_000384.3(APOB):c.11204T>A (p.Leu3735Gln)

Gene: APOB (apolipoprotein B; minus strand). Cytogenetic location: 2p24.1.
Variant type: single nucleotide variant.
Coding change: c.11204T>A on transcript NM_000384.3 (MANE Select); coding-DNA position 11204, T replaced by A.
Protein change: p.Leu3735Gln; replaces leucine 3735 with glutamine.
Molecular consequence: missense variant.
Genome position (GRCh38, 1-based): chr2:21,005,664, A>T on the plus strand (T>A on the coding strand, the complement: APOB is on the minus strand). VCF-style: chr2-21005664-A-T. GRCh37 (hg19) VCF-style: chr2-21228536-A-T.
Other names: short protein forms L3735Q.
Identifiers: ClinVar variation 4532688 (VCV004532688.1).

ClinVar aggregate classification (germline): Uncertain significance (1 of 4 stars; one submission).

Submission:

GeneDx
Classification: Uncertain significance. Last evaluated: 2025-05-29. Review status: criteria provided, single submitter. Criteria: GeneDx Variant Classification Process June 2021. Collection method: clinical testing. Allele origin: germline. Affected: yes.
Comment: Not observed at significant frequency in large population cohorts (gnomAD); In silico analysis supports that this missense variant has a deleterious effect on protein structure/function; Has not been previously published as pathogenic or benign to our knowledge